The following is an entry in ClinVar:

NM_001698.3(AUH):c.140C>T (p.Pro47Leu)

Genes: AUH (AU RNA binding methylglutaconyl-CoA hydratase; minus strand), LOC130002059 (ATAC-STARR-seq lymphoblastoid silent region 20025; plus strand). Cytogenetic location: 9q22.31.
Variant type: single nucleotide variant.
Coding change: c.140C>T on transcript NM_001698.3 (MANE Select); coding-DNA position 140, C replaced by T.
Protein change: p.Pro47Leu; replaces proline 47 with leucine.
Molecular consequence: missense variant. On other transcripts: 5 prime UTR variant (3).
Genome position (GRCh38, 1-based): chr9:91,361,750, G>A on the plus strand (C>T on the coding strand, the complement: AUH is on the minus strand). VCF-style: chr9-91361750-G-A. GRCh37 (hg19) VCF-style: chr9-94124032-G-A.
Other names: c.140C>T, p.Pro47Leu (NM_001306190.2); c.-258C>T (NM_001351431.2, NM_001351433.2); c.-350C>T (NM_001351432.2); short protein forms P47L.
Identifiers: ClinVar variation 1219237 (VCV001219237.16), dbSNP rs200564356, ClinGen allele CA5119953.

ClinVar aggregate classification (germline): Conflicting classifications of pathogenicity. Review status: criteria provided, conflicting classifications (1 of 4 stars). 4 submissions from 4 submitters: Uncertain significance (1); Likely benign (2). 1 of the submissions does not count toward it. Last evaluated 2025-07-10.

Conditions:
AUH-related disorder. Also called: AUH-related condition.
Inborn genetic diseases. Identifiers: MedGen C0950123, MeSH D030342.
3-methylglutaconic aciduria type 1 (MGCA1). Identifiers: Orphanet 67046, MedGen C0342727, MONDO:0009610, OMIM 250950.

Allele frequency attached by ClinVar (database versions not stated): gnomAD 0.00061 and 0.00068; ExAC 0.00016; TOPMed 0.00082.
gnomAD v4.1: 176 of 1,544,756 alleles (0.011%); highest among the groups gnomAD compares: African/African-American, 0.18%; 1 homozygote.

Submissions (4):

Labcorp Genetics (formerly Invitae), Labcorp
Classification: Likely benign for 3-methylglutaconic aciduria type 1. Last evaluated: 2025-07-10. Review status: criteria provided, single submitter. Criteria: Invitae Variant Classification Sherloc (09022015). Collection method: clinical testing. Allele origin: germline.

GeneDx
Classification: Uncertain significance. Last evaluated: 2025-05-12. Review status: criteria provided, single submitter. Criteria: GeneDx Variant Classification Process June 2021. Collection method: clinical testing. Allele origin: germline. Affected: yes.
Comment: In silico analysis suggests that this missense variant does not alter protein structure/function; Has not been previously published as pathogenic or benign to our knowledge

Ambry Genetics
Classification: Likely benign for Inborn genetic diseases. Last evaluated: 2022-12-05. Review status: criteria provided, single submitter. Criteria: Ambry Variant Classification Scheme 2023. Collection method: clinical testing. Allele origin: germline.

PreventionGenetics, part of Exact Sciences
Classification: Likely benign for AUH-related condition. Last evaluated: 2022-02-07. Review status: no assertion criteria provided. Collection method: clinical testing. Allele origin: germline. Not counted in ClinVar's aggregate classification.
Comment: This variant is classified as likely benign based on ACMG/AMP sequence variant interpretation guidelines (Richards et al. 2015 PMID: 25741868, with internal and published modifications).